The following is an entry in ClinVar:

NM_001267550.2(TTN):c.22865A>G (p.Gln7622Arg)

Gene: TTN (titin; minus strand). Cytogenetic location: 2q31.2.
Variant type: single nucleotide variant.
Coding change: c.22865A>G on transcript NM_001267550.2 (MANE Select); coding-DNA position 22865, A replaced by G.
Protein change: p.Gln7622Arg; replaces glutamine 7622 with arginine.
Molecular consequence: missense variant. On other transcripts: intron variant (3).
Genome position (GRCh38, 1-based): chr2:178,721,154, T>C on the plus strand (A>G on the coding strand, the complement: TTN is on the minus strand). VCF-style: chr2-178721154-T-C. GRCh37 (hg19) VCF-style: chr2-179585881-T-C.
Other names: c.21914A>G, p.Gln7305Arg (NM_001256850.1); c.19133A>G, p.Gln6378Arg (NM_133378.4); c.13282+16928A>G (NM_003319.4); c.13858+16928A>G (NM_133437.4); c.13657+16928A>G (NM_133432.3); short protein forms Q6378R, Q7305R, Q7622R.
Identifiers: ClinVar variation 3602259 (VCV003602259.2).

ClinVar aggregate classification (germline): Uncertain significance (1 of 4 stars; one submission).

gnomAD v4.1: 2 of 1,608,764 alleles (0.00012%); highest among the groups gnomAD compares: Admixed American, 0.0017%; no homozygotes.

Submission:

GeneDx
Classification: Uncertain significance. Last evaluated: 2025-02-05. Review status: criteria provided, single submitter. Criteria: GeneDx Variant Classification Process June 2021. Collection method: clinical testing. Allele origin: germline. Affected: yes.
Comment: Not observed at significant frequency in large population cohorts (gnomAD); Missense variant in a gene in which most reported pathogenic variants are truncating/loss of function; Has not been previously published as pathogenic or benign to our knowledge; Located in a specific region of the I-band within TTN for which truncating variants are significantly associated with autosomal dominant cardiomyopathy and also with autosomal recessive skeletal myopathies (PMID: 27625338, 27869827, 32778822)